The following is an entry in ClinVar:

NM_014008.5(CCDC22):c.404G>A (p.Arg135Gln)

Gene: CCDC22 (coiled-coil domain containing 22; plus strand). Cytogenetic location: Xp11.23.
Variant type: single nucleotide variant.
Coding change: c.404G>A on transcript NM_014008.5 (MANE Select); coding-DNA position 404, G replaced by A.
Protein change: p.Arg135Gln; replaces arginine 135 with glutamine.
Molecular consequence: missense variant.
Genome position (GRCh38, 1-based): chrX:49,242,928, G>A. VCF-style: chrX-49242928-G-A. GRCh37 (hg19) VCF-style: chrX-49099394-G-A.
Other names: short protein forms R135Q.
Identifiers: ClinVar variation 426293 (VCV000426293.4), dbSNP rs782631672, ClinGen allele CA10411238.

ClinVar aggregate classification (germline): Uncertain significance. Review status: criteria provided, multiple submitters, no conflicts (2 of 4 stars). 2 submissions from 2 submitters: Uncertain significance (2). Last evaluated 2023-01-26.

Allele frequency attached by ClinVar (database versions not stated): gnomAD exomes 0.00001; TOPMed 0.00001; gnomAD 0.00003; ExAC 0.00004.
gnomAD v4.1: 12 of 1,166,771 alleles (0.001%); highest among the groups gnomAD compares: African/African-American, 0.009%; no homozygotes.

Submissions (2):

Ambry Genetics
Classification: Uncertain significance. Last evaluated: 2023-01-26. Review status: criteria provided, single submitter. Criteria: Ambry Variant Classification Scheme 2023. Collection method: clinical testing. Allele origin: germline.

GeneDx
Classification: Uncertain significance. Last evaluated: 2017-04-21. Review status: criteria provided, single submitter. Criteria: GeneDx Variant Classification (06012015). Collection method: clinical testing. Allele origin: germline. Affected: yes.
Comment: A variant of uncertain significance has been identified in the CCDC22 gene. The R135Q variant has not been published as a pathogenic variant, nor has it been reported as a benign variant to our knowledge. The R135Q variant is not observed at a significant frequency in large population cohorts (Lek et al., 2016; 1000 Genomes Consortium et al., 2015; Exome Variant Server). The R135Q variant is a semi-conservative amino acid substitution, which may impact secondary protein structure as these residues differ in some properties. This substitution occurs at a position where amino acids with similar properties to Arginine are tolerated across species. In silico analysis is inconsistent in its predictions as to whether or not the variant is damaging to the protein structure/function. Based on the currently available information, it is unclear whether this variant is a pathogenic variant or a rare benign variant.